The following is an entry in ClinVar:

NM_004260.4(RECQL4):c.1214T>C (p.Leu405Pro)

Gene: RECQL4 (RecQ like helicase 4; minus strand). Cytogenetic location: 8q24.3.
Variant type: single nucleotide variant.
Coding change: c.1214T>C on transcript NM_004260.4 (MANE Select); coding-DNA position 1214, T replaced by C.
Protein change: p.Leu405Pro; replaces leucine 405 with proline.
Molecular consequence: missense variant.
Genome position (GRCh38, 1-based): chr8:144,515,808, A>G on the plus strand (T>C on the coding strand, the complement: RECQL4 is on the minus strand). VCF-style: chr8-144515808-A-G. GRCh37 (hg19) VCF-style: chr8-145741192-A-G.
Other names: short protein forms L405P.
Identifiers: ClinVar variation 970105 (VCV000970105.7), dbSNP rs747571431, ClinGen allele CA372687466.

ClinVar aggregate classification (germline): Uncertain significance. Review status: criteria provided, multiple submitters, no conflicts (2 of 4 stars). 2 submissions from 2 submitters: Uncertain significance (2). Last evaluated 2025-05-22.

Conditions:
Baller-Gerold syndrome (BGS). Also called: CRANIOSYNOSTOSIS WITH RADIAL DEFECTS. Identifiers: Orphanet 1225, MedGen C0265308, MONDO:0009039, OMIM 218600.
Inborn genetic diseases. Identifiers: MedGen C0950123, MeSH D030342.

Allele frequency attached by ClinVar (database versions not stated): gnomAD 0.00001; gnomAD exomes 0.00001.
gnomAD v4.1: 5 of 1,612,672 alleles (0.00031%); highest among the groups gnomAD compares: Admixed American, 0.005%; no homozygotes.

Submissions (2):

Ambry Genetics
Classification: Uncertain significance for Inborn genetic diseases. Last evaluated: 2025-05-22. Review status: criteria provided, single submitter. Criteria: Ambry Variant Classification Scheme 2023. Collection method: clinical testing. Allele origin: germline.
Comment: The p.L405P variant (also known as c.1214T>C), located in coding exon 6 of the RECQL4 gene, results from a T to C substitution at nucleotide position 1214. The leucine at codon 405 is replaced by proline, an amino acid with similar properties. This amino acid position is conserved. In addition, this alteration is predicted to be tolerated by in silico analysis. Based on the available evidence, the clinical significance of this variant remains unclear.

Labcorp Genetics (formerly Invitae), Labcorp
Classification: Uncertain significance for Baller-Gerold syndrome. Last evaluated: 2024-07-29. Review status: criteria provided, single submitter. Criteria: Invitae Variant Classification Sherloc (09022015). Collection method: clinical testing. Allele origin: germline.
Comment: This sequence change replaces leucine, which is neutral and non-polar, with proline, which is neutral and non-polar, at codon 405 of the RECQL4 protein (p.Leu405Pro). This variant is present in population databases (no rsID available, gnomAD 0.006%). This variant has not been reported in the literature in individuals affected with RECQL4-related conditions. ClinVar contains an entry for this variant (Variation ID: 970105). Advanced modeling of protein sequence and biophysical properties (such as structural, functional, and spatial information, amino acid conservation, physicochemical variation, residue mobility, and thermodynamic stability) performed at Invitae indicates that this missense variant is not expected to disrupt RECQL4 protein function with a negative predictive value of 80%. In summary, the available evidence is currently insufficient to determine the role of this variant in disease. Therefore, it has been classified as a Variant of Uncertain Significance.